The following is an entry in ClinVar:

ClinVar aggregate classification (germline): Benign/Likely benign. Review status: criteria provided, multiple submitters, no conflicts (2 of 4 stars). 4 submissions from 4 submitters: Benign (1); Likely benign (3). Last evaluated 2025-04-14.

Conditions:
Hereditary nonpolyposis colorectal neoplasms. Identifiers: MedGen C0009405, MeSH D003123.
Hereditary cancer-predisposing syndrome. Also called: Tumor predisposition; Hereditary Cancer Syndrome; Hereditary neoplastic syndrome; Neoplastic Syndromes, Hereditary. Identifiers: Orphanet 140162, MedGen C0027672, MeSH D009386, MONDO:0015356.
Lynch syndrome 5 (LYNCH5). Also called: Hereditary non-polyposis colorectal cancer, type 5; Colorectal cancer, hereditary nonpolyposis, type 5. Identifiers: Orphanet 144, MedGen C1833477, MONDO:0013710, OMIM 614350. Disease mechanism: loss of function.

Allele frequency attached by ClinVar (database versions not stated): gnomAD exomes below 0.00001; TOPMed below 0.00001.
gnomAD v4.1: 1 of 1,614,188 alleles (0.000062%); highest among the groups gnomAD compares: African/African-American, 0.0013%; no homozygotes.

Submissions (4):

Color Diagnostics, LLC DBA Color Health
Classification: Likely benign for Hereditary cancer-predisposing syndrome. Last evaluated: 2025-04-14. Review status: criteria provided, single submitter. Criteria: ACMG Guidelines, 2015. Collection method: clinical testing. Allele origin: germline.

Myriad Genetics, Inc.
Classification: Benign for Lynch syndrome 5. Last evaluated: 2025-01-06. Review status: criteria provided, single submitter. Criteria: Myriad Autosomal Dominant, Autosomal Recessive and X-Linked Classification Criteria (2023). Collection method: clinical testing. Allele origin: unknown.
Comment: This variant is considered benign. This variant is a silent/synonymous amino acid change and it is not expected to impact splicing.

Labcorp Genetics (formerly Invitae), Labcorp
Classification: Likely benign for Hereditary nonpolyposis colorectal neoplasms. Last evaluated: 2023-11-07. Review status: criteria provided, single submitter. Criteria: Invitae Variant Classification Sherloc (09022015). Collection method: clinical testing. Allele origin: germline.

Ambry Genetics
Classification: Likely benign for Hereditary cancer-predisposing syndrome. Last evaluated: 2023-08-06. Review status: criteria provided, single submitter. Criteria: Ambry Variant Classification Scheme 2023. Collection method: clinical testing. Allele origin: germline.

NM_000179.3(MSH6):c.3330T>C (p.Pro1110=)

Gene: MSH6 (mutS homolog 6; plus strand). Cytogenetic location: 2p16.3.
Variant type: single nucleotide variant.
Coding change: c.3330T>C on transcript NM_000179.3 (MANE Select); coding-DNA position 3330, T replaced by C.
Protein change: p.Pro1110=; no amino-acid change (proline 1110 retained).
Molecular consequence: synonymous variant. On other transcripts: non-coding transcript variant (5), intron variant (1).
Genome position (GRCh38, 1-based): chr2:47,803,577, T>C. VCF-style: chr2-47803577-T-C. GRCh37 (hg19) VCF-style: chr2-48030716-T-C.
Other names: c.2940T>C, p.Pro980= (NM_001281492.2); c.2424T>C, p.Pro808= (NM_001281493.2, NM_001281494.2, NM_001406811.1 and 6 more transcripts); c.3426T>C, p.Pro1142= (NM_001406795.1, NM_001406802.1); c.3330T>C, p.Pro1110= (NM_001406796.1, NM_001406800.1, NM_001406808.1 and 1 more transcripts); c.3033T>C, p.Pro1011= (NM_001406797.1, NM_001406801.1, NM_001406805.1 and 10 more transcripts); c.2805T>C, p.Pro935= (NM_001406799.1, NM_001406806.1, NM_001406807.1); c.2466T>C, p.Pro822= (NM_001406803.1); c.3252T>C, p.Pro1084= (NM_001406804.1); and 7 more.
Identifiers: ClinVar variation 2587345 (VCV002587345.7), dbSNP rs1669759262, ClinGen allele CA426121959.
Genomic context (GRCh38, chr2:47,803,577, plus strand): 5'-GCTTAAAGGATCACGCCATCCTTGCATTACGAAGACTTTTTTTGGAGATGATTTTATTCC[T>C]AATGACATTCTAATAGGCTGTGAGGAAGAGGAGCAGGAAAATGGCAAAGCCTATTGTGTG-3'
Protein context (NP_000170.1, residues 1100-1120): TKTFFGDDFI[Pro1110=]NDILIGCEEE